The following is an entry in ClinVar:

ClinVar aggregate classification (germline): Likely benign (1 of 4 stars; one submission).

Allele frequency attached by ClinVar (database versions not stated): ExAC 0.00032; TOPMed 0.00039; gnomAD 0.00044; ESP Exome Variant Server 0.00062.

Submission:

CeGaT Center for Human Genetics Tuebingen
Classification: Likely benign. Last evaluated: 2022-08-01. Review status: criteria provided, single submitter. Criteria: CeGaT Center For Human Genetics Tuebingen Variant Classification Criteria Version 2. Collection method: clinical testing. Allele origin: germline. Affected: yes. Observed: 1 variant allele.
Comment: SLC16A3: BP4, BP7

NM_004207.4(SLC16A3):c.297G>A (p.Ser99=)

Gene: SLC16A3 (solute carrier family 16 member 3; plus strand). Cytogenetic location: 17q25.3.
Variant type: single nucleotide variant.
Coding change: c.297G>A on transcript NM_004207.4 (MANE Select); coding-DNA position 297, G replaced by A.
Protein change: p.Ser99=; no amino-acid change (serine 99 retained).
Molecular consequence: synonymous variant.
Genome position (GRCh38, 1-based): chr17:82,236,802, G>A. VCF-style: chr17-82236802-G-A. GRCh37 (hg19) VCF-style: chr17-80194678-G-A.
Other names: c.297G>A, p.Ser99= (NM_001042422.3, NM_001042423.3, NM_001206950.2 and 2 more transcripts).
Identifiers: ClinVar variation 2648490 (VCV002648490.24), dbSNP rs151081282, ClinGen allele CA8854908.
Genomic context (GRCh38, chr17:82,236,802, plus strand): 5'-TGTGTGCGTGAACCGCTTTGGCTGCCGGCCCGTCATGCTTGTGGGGGGTCTCTTTGCGTC[G>A]CTGGGCATGGTGGCTGCGTCCTTTTGCCGGAGCATCATCCAGGTCTACCTCACCACTGGG-3'
Protein context (NP_004198.1, residues 89-109): PVMLVGGLFA[Ser99=]LGMVAASFCR